The following is an entry in ClinVar:

ClinVar aggregate classification (germline): Uncertain significance. Review status: criteria provided, multiple submitters, no conflicts (2 of 4 stars). 3 submissions from 3 submitters: Uncertain significance (3). Last evaluated 2025-11-15.

Allele frequency attached by ClinVar (database versions not stated): TOPMed 0.00026; gnomAD exomes 0.00029 and 0.00047; ExAC 0.00030; gnomAD 0.00034 and 0.00038; ESP Exome Variant Server 0.00077.
gnomAD v4.1: 743 of 1,612,074 alleles (0.046%); highest among the groups gnomAD compares: Non-Finnish European, 0.059%; no homozygotes.

Submissions (3):

Labcorp Genetics (formerly Invitae), Labcorp
Classification: Uncertain significance. Last evaluated: 2025-11-15. Review status: criteria provided, single submitter. Criteria: Invitae Variant Classification Sherloc (09022015). Collection method: clinical testing. Allele origin: germline.
Comment: This sequence change replaces methionine, which is neutral and non-polar, with valine, which is neutral and non-polar, at codon 407 of the MYH7B protein (p.Met407Val). This variant is present in population databases (rs200379759, gnomAD 0.06%), and has an allele count higher than expected for a pathogenic variant. This variant has not been reported in the literature in individuals affected with MYH7B-related conditions. ClinVar contains an entry for this variant (Variation ID: 1385983). Invitae Evidence Modeling of protein sequence and biophysical properties (such as structural, functional, and spatial information, amino acid conservation, physicochemical variation, residue mobility, and thermodynamic stability) indicates that this missense variant is not expected to disrupt MYH7B protein function with a negative predictive value of 80%. In summary, the available evidence is currently insufficient to determine the role of this variant in disease. Therefore, it has been classified as a Variant of Uncertain Significance.

Ambry Genetics
Classification: Uncertain significance. Last evaluated: 2024-04-01. Review status: criteria provided, single submitter. Criteria: Ambry Variant Classification Scheme 2023. Collection method: clinical testing. Allele origin: germline.

Breakthrough Genomics
Classification: Uncertain significance. Review status: criteria provided, single submitter. Criteria: ACMG Guidelines, 2015. Collection method: not provided. Allele origin: germline. Inheritance: Autosomal dominant inheritance. Affected: yes.

NM_020884.7(MYH7B):c.1093A>G (p.Met365Val)

Gene: MYH7B (myosin heavy chain 7B; plus strand). Cytogenetic location: 20q11.22.
Variant type: single nucleotide variant.
Coding change: c.1093A>G on transcript NM_020884.7 (MANE Select); coding-DNA position 1093, A replaced by G.
Protein change: p.Met365Val; replaces methionine 365 with valine.
Molecular consequence: missense variant.
Genome position (GRCh38, 1-based): chr20:34,987,233, A>G. VCF-style: chr20-34987233-A-G. GRCh37 (hg19) VCF-style: chr20-33575036-A-G.
Other names: c.1219A>G (NM_020884.3); short protein forms M365V.
Identifiers: ClinVar variation 1385983 (VCV001385983.8), dbSNP rs200379759, ClinGen allele CA9826801.